The following is an entry in ClinVar:

ClinVar aggregate classification (germline): Benign. Review status: criteria provided, multiple submitters, no conflicts (2 of 4 stars). 8 submissions from 8 submitters: Benign (8). Last evaluated 2026-02-04.

Conditions:
Hereditary cancer-predisposing syndrome. Also called: Neoplastic Syndromes, Hereditary; Tumor predisposition; Hereditary Cancer Syndrome; Hereditary neoplastic syndrome. Identifiers: Orphanet 140162, MedGen C0027672, MeSH D009386, MONDO:0015356.

Allele frequency attached by ClinVar (database versions not stated): gnomAD exomes 0.85334 and 0.87346; ESP Exome Variant Server 0.85522; gnomAD 0.86544 and 0.86721; TOPMed 0.86771; ExAC 0.87310; 1000 Genomes Project 0.90216; 1000 Genomes Project 30x 0.90334.
gnomAD v4.1: 1,378,398 of 1,612,888 alleles (85%); highest among the groups gnomAD compares: East Asian, 100%; 590,189 homozygotes.

Submissions (8):

Labcorp Genetics (formerly Invitae), Labcorp
Classification: Benign. Last evaluated: 2026-02-04. Review status: criteria provided, single submitter. Criteria: Invitae Variant Classification Sherloc (09022015). Collection method: clinical testing. Allele origin: germline.

ARUP Laboratories, Molecular Genetics and Genomics, ARUP Laboratories
Classification: Benign. Last evaluated: 2025-07-30. Review status: criteria provided, single submitter. Criteria: ARUP Molecular Germline Variant Investigation Process 2024. Collection method: clinical testing. Allele origin: germline.

GeneKor MSA
Classification: Benign for Hereditary cancer-predisposing syndrome. Last evaluated: 2025-07-10. Review status: criteria provided, single submitter. Criteria: ACMG Guidelines, 2015. Collection method: clinical testing. Allele origin: germline.

Blueprint Genetics
Classification: Benign. Last evaluated: 2024-11-26. Review status: criteria provided, single submitter. Criteria: ACMG Guidelines, 2015. Collection method: clinical testing. Allele origin: germline.

Mayo Clinic Laboratories, Mayo Clinic
Classification: Benign. Last evaluated: 2021-12-17. Review status: criteria provided, single submitter. Criteria: ACMG Guidelines, 2015. Collection method: clinical testing. Allele origin: germline. Observed: 654 variant alleles.
Comment: BA1

Sema4
Classification: Benign for Hereditary cancer-predisposing syndrome. Last evaluated: 2021-02-27. Review status: criteria provided, single submitter. Criteria: Sema4 Curation Guidelines. Collection method: curation. Allele origin: germline.

Ambry Genetics
Classification: Benign for Hereditary cancer-predisposing syndrome. Last evaluated: 2018-09-10. Review status: criteria provided, single submitter. Criteria: Ambry Variant Classification Scheme 2023. Collection method: clinical testing. Allele origin: germline.

GeneDx
Classification: Benign. Last evaluated: 2018-06-22. Review status: criteria provided, single submitter. Criteria: GeneDx Variant Classification Process June 2021. Collection method: clinical testing. Allele origin: germline. Affected: yes.
Comment: This variant is associated with the following publications: (PMID: 17205513)

NM_002439.5(MSH3):c.2846A>G (p.Gln949Arg)

Gene: MSH3 (mutS homolog 3; plus strand). Cytogenetic location: 5q14.1.
Variant type: single nucleotide variant.
Coding change: c.2846A>G on transcript NM_002439.5 (MANE Select); coding-DNA position 2846, A replaced by G.
Protein change: p.Gln949Arg; replaces glutamine 949 with arginine.
Molecular consequence: missense variant.
Genome position (GRCh38, 1-based): chr5:80,854,162, A>G. VCF-style: chr5-80854162-A-G. GRCh37 (hg19) VCF-style: chr5-80149981-A-G.
Other names: p.Gln949Arg; short protein forms Q949R.
Identifiers: ClinVar variation 821892 (VCV000821892.31), dbSNP rs184967, ClinGen allele CA3328386.
Genomic context (GRCh38, chr5:80,854,162, plus strand): 5'-AATCAAGGTGTTTTCATCTTGCTTGTAGGATGGGTGCTGCAGACAATATATATAAAGGAC[A>G]GAGTACATTTATGGAAGAACTGACTGACACAGCAGAAATAATCAGAAAAGCAACATCACA-3'
Protein context (NP_002430.3, residues 939-959): MGAADNIYKG[Gln949Arg]STFMEELTDT